The following is an entry in ClinVar:

NM_001165963.4(SCN1A):c.2672G>A (p.Gly891Glu)

Gene: SCN1A (sodium voltage-gated channel alpha subunit 1; minus strand). Cytogenetic location: 2q24.3.
Variant type: single nucleotide variant.
Coding change: c.2672G>A on transcript NM_001165963.4 (MANE Select); coding-DNA position 2672, G replaced by A.
Protein change: p.Gly891Glu; replaces glycine 891 with glutamic acid.
Molecular consequence: missense variant. On other transcripts: non-coding transcript variant (1).
Genome position (GRCh38, 1-based): chr2:166,038,050, C>T on the plus strand (G>A on the coding strand, the complement: SCN1A is on the minus strand). VCF-style: chr2-166038050-C-T. GRCh37 (hg19) VCF-style: chr2-166894560-C-T.
Other names: c.2588G>A, p.Gly863Glu (NM_001165964.3, NM_001353957.2, NM_001353958.2); c.2672G>A, p.Gly891Glu (NM_001202435.3, NM_001353948.2); c.2639G>A, p.Gly880Glu (NM_001353949.2, NM_001353950.2, NM_001353951.2 and 2 more transcripts); c.2636G>A, p.Gly879Glu (NM_001353954.2, NM_001353955.2); c.2585G>A, p.Gly862Glu (NM_001353960.2); c.230G>A, p.Gly77Glu (NM_001353961.2); c.2672G>A (NM_001165963.1); short protein forms G77E, G862E, G863E, G879E, G880E, G891E.
Identifiers: ClinVar variation 3677023 (VCV003677023.3).

ClinVar aggregate classification (germline): Pathogenic/Likely pathogenic. Review status: criteria provided, multiple submitters, no conflicts (2 of 4 stars). 2 submissions from 2 submitters: Pathogenic (1); Likely pathogenic (1). Last evaluated 2026-04-23.

Conditions:
Early-infantile DEE. Also called: Early infantile epileptic encephalopathy; Ohtahara syndrome; Early infantile epileptic encephalopathy with suppression bursts. Identifiers: Orphanet 1934, MedGen C0393706, MONDO:0800491.

Submissions (2):

GeneDx
Classification: Likely pathogenic. Last evaluated: 2026-04-23. Review status: criteria provided, single submitter. Criteria: GeneDx Variant Classification Process June 2021. Collection method: clinical testing. Allele origin: germline.
Comment: This substitution is predicted to be within the transmembrane segment S5 of the second homologous domain; Not observed at significant frequency in large population cohorts (gnomAD); In silico analysis supports that this missense variant has a deleterious effect on protein structure/function; This variant is associated with the following publications: (PMID: 33767182)

Labcorp Genetics (formerly Invitae), Labcorp
Classification: Pathogenic for Early-infantile DEE. Last evaluated: 2024-12-16. Review status: criteria provided, single submitter. Criteria: Invitae Variant Classification Sherloc (09022015). Collection method: clinical testing. Allele origin: germline.
Comment: This sequence change replaces glycine, which is neutral and non-polar, with glutamic acid, which is acidic and polar, at codon 891 of the SCN1A protein (p.Gly891Glu). This variant is not present in population databases (gnomAD no frequency). This missense change has been observed in individual(s) with clinical features of SCN1A related conditions (PMID: 33767182; internal data). In at least one individual the variant was observed to be de novo. Invitae Evidence Modeling of protein sequence and biophysical properties (such as structural, functional, and spatial information, amino acid conservation, physicochemical variation, residue mobility, and thermodynamic stability) indicates that this missense variant is expected to disrupt SCN1A protein function with a positive predictive value of 95%. This variant disrupts the p.Gly891 amino acid residue in SCN1A. Other variant(s) that disrupt this residue have been observed in individuals with SCN1A-related conditions (PMID: 35087721; internal data), which suggests that this may be a clinically significant amino acid residue. For these reasons, this variant has been classified as Pathogenic.

Literature cited by the submitters: PubMed 33767182 (cited by Labcorp Genetics (formerly Invitae), Labcorp); PubMed 35087721 (cited by Labcorp Genetics (formerly Invitae), Labcorp).